The following is an entry in ClinVar:

NM_001377.3(DYNC2H1):c.7547C>G (p.Ser2516Ter)

Gene: DYNC2H1 (dynein cytoplasmic 2 heavy chain 1; plus strand). Cytogenetic location: 11q22.3.
Variant type: single nucleotide variant.
Coding change: c.7547C>G on transcript NM_001377.3 (MANE Select); coding-DNA position 7547, C replaced by G.
Protein change: p.Ser2516Ter; replaces serine 2516 with a stop codon.
Molecular consequence: nonsense.
Genome position (GRCh38, 1-based): chr11:103,192,103, C>G. VCF-style: chr11-103192103-C-G. GRCh37 (hg19) VCF-style: chr11-103062832-C-G.
Other names: c.7547C>G, p.Ser2516Ter (NM_001080463.2); short protein forms S2516*.
Identifiers: ClinVar variation 2572451 (VCV002572451.1), dbSNP rs1201137446, ClinGen allele CA382254273.

ClinVar aggregate classification (germline): Likely pathogenic (1 of 4 stars; one submission).

Conditions:
Asphyxiating thoracic dystrophy 3. Also called: SHORT-RIB THORACIC DYSPLASIA 3 WITH OR WITHOUT POLYDACTYLY; POLYDACTYLY WITH NEONATAL CHONDRODYSTROPHY, TYPE I; SHORT-RIB THORACIC DYSPLASIA 3/6 WITH POLYDACTYLY, DIGENIC; Short rib polydactyly syndrome 2B; Saldino-Noonan Syndrome. Identifiers: Orphanet 474, Orphanet 93269, Orphanet 93270, Orphanet 93271, MedGen C0036069, MONDO:0013127, OMIM 613091.

Submission:

3billion
Classification: Likely pathogenic for Asphyxiating thoracic dystrophy 3. Review status: criteria provided, single submitter. Criteria: ACMG Guidelines, 2015. Collection method: clinical testing. Allele origin: unknown. Affected: yes. Observed: 1 heterozygote.
Comment: The variant is not observed in the gnomAD v2.1.1 dataset. The variant is predicted to result in a loss or disruption of normal protein function through nonsense-mediated decay (NMD) or protein truncation. Multiple pathogenic variants are reported downstream of the variant. Therefore, this variant is classified as Likely pathogenic according to the recommendation of ACMG/AMP guideline.